The following is an entry in ClinVar:

NM_198578.4(LRRK2):c.3325C>A (p.Leu1109Met)

Gene: LRRK2 (leucine rich repeat kinase 2; plus strand). Cytogenetic location: 12q12.
Variant type: single nucleotide variant.
Coding change: c.3325C>A on transcript NM_198578.4 (MANE Select); coding-DNA position 3325, C replaced by A.
Protein change: p.Leu1109Met; replaces leucine 1109 with methionine.
Molecular consequence: missense variant.
Genome position (GRCh38, 1-based): chr12:40,298,471, C>A. VCF-style: chr12-40298471-C-A. GRCh37 (hg19) VCF-style: chr12-40692273-C-A.
Other names: short protein forms L1109M.
Identifiers: ClinVar variation 1730237 (VCV001730237.2), dbSNP rs759298975, ClinGen allele CA384415192.

ClinVar aggregate classification (germline): Uncertain significance (1 of 4 stars; one submission).

Conditions:
Inborn genetic diseases. Identifiers: MedGen C0950123, MeSH D030342.

Submission:

Ambry Genetics
Classification: Uncertain significance for Inborn genetic diseases. Last evaluated: 2022-10-05. Review status: criteria provided, single submitter. Criteria: Ambry Variant Classification Scheme 2023. Collection method: clinical testing. Allele origin: germline.
Comment: The p.L1109M variant (also known as c.3325C>A), located in coding exon 24 of the LRRK2 gene, results from a C to A substitution at nucleotide position 3325. The leucine at codon 1109 is replaced by methionine, an amino acid with highly similar properties. This amino acid position is conserved. In addition, the in silico prediction for this alteration is inconclusive. Since supporting evidence is limited at this time, the clinical significance of this alteration remains unclear.